The following is an entry in ClinVar:

NM_004369.4(COL6A3):c.6354+1G>T

Gene: COL6A3 (collagen type VI alpha 3 chain; minus strand). Cytogenetic location: 2q37.3.
Variant type: single nucleotide variant.
Coding change: c.6354+1G>T on transcript NM_004369.4 (MANE Select); the canonical splice donor site of the intron after coding-DNA position 6354, G replaced by T.
Molecular consequence: splice donor variant.
Genome position (GRCh38, 1-based): chr2:237,359,205, C>A on the plus strand (G>T on the coding strand, the complement: COL6A3 is on the minus strand). VCF-style: chr2-237359205-C-A. GRCh37 (hg19) VCF-style: chr2-238267848-C-A.
Other names: c.4533+1G>T (NM_057166.5); c.5736+1G>T (NM_057167.4).
Identifiers: ClinVar variation 284484 (VCV000284484.12), dbSNP rs886042883, ClinGen allele CA10604809.

ClinVar aggregate classification (germline): Pathogenic. Review status: criteria provided, multiple submitters, no conflicts (2 of 4 stars). 2 submissions from 2 submitters: Pathogenic (2). Last evaluated 2022-08-13.

Conditions:
Bethlem myopathy 1A. Also called: Bethlem myopathy 1; MYOPATHY, BENIGN CONGENITAL, WITH CONTRACTURES; Bethlem Muscular Dystrophy. Identifiers: Orphanet 610, MedGen CN029274, MONDO:0024530, OMIM 158810.

Submissions (2):

Labcorp Genetics (formerly Invitae), Labcorp
Classification: Pathogenic for Bethlem myopathy 1A. Last evaluated: 2022-08-13. Review status: criteria provided, single submitter. Criteria: Invitae Variant Classification Sherloc (09022015). Collection method: clinical testing. Allele origin: germline.
Comment: For these reasons, this variant has been classified as Pathogenic. Algorithms developed to predict the effect of sequence changes on RNA splicing suggest that this variant may disrupt the consensus splice site. ClinVar contains an entry for this variant (Variation ID: 284484). Disruption of this splice site has been observed in individuals with clinical features of autosomal dominant COL6A3-related conditions (PMID: 28688748; Invitae). It has also been observed to segregate with disease in related individuals. This variant is not present in population databases (gnomAD no frequency). This sequence change affects a donor splice site in intron 19 of the COL6A3 gene. It is expected to disrupt RNA splicing. Variants that disrupt the donor or acceptor splice site typically lead to a loss of protein function (PMID: 16199547), and loss-of-function variants in COL6A3 are known to be disease-causing for autosomal recessive COL6A3 conditions (PMID: 21280092, 20976770). However, certain variants affecting donor or acceptor splice sites in the triple helical domain of COL6A3 are expected to result in in-frame exon skipping and have been reported to cause autosomal dominant COL6A3-related conditions (PMID: 18366090).

Eurofins Ntd Llc (ga)
Classification: Pathogenic. Last evaluated: 2017-05-10. Review status: criteria provided, single submitter. Criteria: EGL Classification Definitions 2015. Collection method: clinical testing. Allele origin: germline. Observed: 1 variant allele, 1 heterozygote.

Literature cited by the submitters: PubMed 28688748 (cited by Labcorp Genetics (formerly Invitae), Labcorp); PubMed 16199547 (cited by Labcorp Genetics (formerly Invitae), Labcorp); PubMed 21280092 (cited by Labcorp Genetics (formerly Invitae), Labcorp); PubMed 20976770 (cited by Labcorp Genetics (formerly Invitae), Labcorp); PubMed 18366090 (cited by Labcorp Genetics (formerly Invitae), Labcorp).